The following is an entry in ClinVar:

ClinVar aggregate classification (germline): Uncertain significance (1 of 4 stars; one submission).

Allele frequency attached by ClinVar (database versions not stated): gnomAD exomes below 0.00001; TOPMed below 0.00001.
gnomAD v4.1: 1 of 1,545,542 alleles (0.000065%); highest among the groups gnomAD compares: Admixed American, 0.002%; no homozygotes.

Submission:

Labcorp Genetics (formerly Invitae), Labcorp
Classification: Uncertain significance. Last evaluated: 2024-11-11. Review status: criteria provided, single submitter. Criteria: Invitae Variant Classification Sherloc (09022015). Collection method: clinical testing. Allele origin: germline.
Comment: This sequence change replaces cysteine, which is neutral and slightly polar, with arginine, which is basic and polar, at codon 436 of the KPNA7 protein (p.Cys436Arg). This variant is present in population databases (no rsID available, gnomAD 0.004%). This variant has not been reported in the literature in individuals affected with KPNA7-related conditions. ClinVar contains an entry for this variant (Variation ID: 2123617). Invitae Evidence Modeling of protein sequence and biophysical properties (such as structural, functional, and spatial information, amino acid conservation, physicochemical variation, residue mobility, and thermodynamic stability) indicates that this missense variant is not expected to disrupt KPNA7 protein function with a negative predictive value of 80%. In summary, the available evidence is currently insufficient to determine the role of this variant in disease. Therefore, it has been classified as a Variant of Uncertain Significance.

NM_001145715.3(KPNA7):c.1306T>C (p.Cys436Arg)

Gene: KPNA7 (karyopherin subunit alpha 7; minus strand). Cytogenetic location: 7q22.1.
Variant type: single nucleotide variant.
Coding change: c.1306T>C on transcript NM_001145715.3 (MANE Select); coding-DNA position 1306, T replaced by C.
Protein change: p.Cys436Arg; replaces cysteine 436 with arginine.
Molecular consequence: missense variant.
Genome position (GRCh38, 1-based): chr7:99,181,894, A>G on the plus strand (T>C on the coding strand, the complement: KPNA7 is on the minus strand). VCF-style: chr7-99181894-A-G. GRCh37 (hg19) VCF-style: chr7-98779517-A-G.
Other names: short protein forms C436R.
Identifiers: ClinVar variation 2123617 (VCV002123617.4), dbSNP rs1250005790, ClinGen allele CA368417781.